The following is an entry in ClinVar:

ClinVar aggregate classification (germline): Uncertain significance (1 of 4 stars; one submission).

Conditions:
Cystic fibrosis (CF). Also called: MUCOVISCIDOSIS. Identifiers: Orphanet 586, MedGen C0010674, MONDO:0009061, OMIM 219700. Disease mechanism: loss of function.

Submission:

Ambry Genetics
Classification: Uncertain significance for Cystic fibrosis. Last evaluated: 2026-02-23. Review status: criteria provided, single submitter. Criteria: Ambry Variant Classification Scheme 2023. Collection method: clinical testing. Allele origin: germline.
Comment: The p.M929V variant (also known as c.2785A>G), located in coding exon 17 of the CFTR gene, results from an A to G substitution at nucleotide position 2785. The methionine at codon 929 is replaced by valine, an amino acid with highly similar properties. This amino acid position is conserved. In addition, the in silico prediction for this alteration is inconclusive. Based on the available evidence, the clinical significance of this variant remains unclear.

NM_000492.4(CFTR):c.2785A>G (p.Met929Val)

Gene: CFTR (CF transmembrane conductance regulator; plus strand). Cytogenetic location: 7q31.2.
Variant type: single nucleotide variant.
Coding change: c.2785A>G on transcript NM_000492.4 (MANE Select); coding-DNA position 2785, A replaced by G.
Protein change: p.Met929Val; replaces methionine 929 with valine.
Molecular consequence: missense variant.
Genome position (GRCh38, 1-based): chr7:117,603,659, A>G. VCF-style: chr7-117603659-A-G. GRCh37 (hg19) VCF-style: chr7-117243713-A-G.
Other names: short protein forms M929V.
Identifiers: ClinVar variation 4827531 (VCV004827531.1).